The following is an entry in ClinVar:

NM_025137.4(SPG11):c.5082A>G (p.Glu1694=)

Gene: SPG11 (SPG11 vesicle trafficking associated, spatacsin; minus strand). Cytogenetic location: 15q21.1.
Variant type: single nucleotide variant.
Coding change: c.5082A>G on transcript NM_025137.4 (MANE Select); coding-DNA position 5082, A replaced by G.
Protein change: p.Glu1694=; no amino-acid change (glutamic acid 1694 retained).
Molecular consequence: synonymous variant.
Genome position (GRCh38, 1-based): chr15:44,585,675, T>C on the plus strand (A>G on the coding strand, the complement: SPG11 is on the minus strand). VCF-style: chr15-44585675-T-C. GRCh37 (hg19) VCF-style: chr15-44877873-T-C.
Other names: c.5082A>G, p.Glu1694= (NM_001160227.2).
Identifiers: ClinVar variation 742357 (VCV000742357.31), dbSNP rs914692956, ClinGen allele CA270081664.
Genomic context (GRCh38, chr15:44,585,675, plus strand): 5'-AAAAAAAAAGACCGATGATACCTCTTTAATAACCAAGTTGTCCACAGGTAACTCAGCTAA[T>C]TCTGCTACCCTCCTGGCCAAAGCGAATTGTCCATCTGTCTGCAGTCTTTCCAAAATAGAT-3'
Protein context (NP_079413.3, residues 1684-1704): GQFALARRVA[Glu1694=]LAELPVDNLV

ClinVar aggregate classification (germline): Likely benign. Review status: criteria provided, multiple submitters, no conflicts (2 of 4 stars). 2 submissions from 2 submitters: Likely benign (2). Last evaluated 2025-02-19.

Conditions:
Hereditary spastic paraplegia 11. Also called: Spastic Paraplegia 11; Nakamura Osame syndrome; Autosomal recessive hereditary spastic paraplegia, mental impairment, and thin corpus callosum; SPASTIC PARAPLEGIA, AUTOSOMAL RECESSIVE, COMPLICATED, WITH THIN CORPUS CALLOSUM; SPASTIC PARAPLEGIA, AUTOSOMAL RECESSIVE, WITH MENTAL IMPAIRMENT AND THIN CORPUS CALLOSUM; Spastic paraplegia, mental retardation and thin corpus callosum. Identifiers: Orphanet 2822, MedGen C1858479, MONDO:0011445, OMIM 604360.

Allele frequency attached by ClinVar (database versions not stated): gnomAD exomes below 0.00001; TOPMed below 0.00001; gnomAD 0.00001.
gnomAD v4.1: 8 of 1,612,816 alleles (0.0005%); highest among the groups gnomAD compares: Admixed American, 0.0017%; no homozygotes.

Submissions (2):

Labcorp Genetics (formerly Invitae), Labcorp
Classification: Likely benign for Hereditary spastic paraplegia 11. Last evaluated: 2025-02-19. Review status: criteria provided, single submitter. Criteria: Invitae Variant Classification Sherloc (09022015). Collection method: clinical testing. Allele origin: germline.

CeGaT Center for Human Genetics Tuebingen
Classification: Likely benign. Last evaluated: 2023-03-01. Review status: criteria provided, single submitter. Criteria: CeGaT Center For Human Genetics Tuebingen Variant Classification Criteria Version 2. Collection method: clinical testing. Allele origin: germline. Affected: yes. Observed: 1 variant allele.
Comment: SPG11: BP4, BP7